The following is an entry in ClinVar:

NM_001308093.3(GATA4):c.317C>A (p.Pro106Gln)

Gene: GATA4 (GATA binding protein 4). Cytogenetic location: 8p23.1.
Variant type: single nucleotide variant.
Coding change: c.317C>A on transcript NM_001308093.3 (MANE Select); coding-DNA position 317, C replaced by A.
Protein change: p.Pro106Gln; replaces proline 106 with glutamine.
Molecular consequence: missense variant. On other transcripts: intron variant (3).
Genome position (GRCh38, 1-based): chr8:11,708,629, C>A. VCF-style: chr8-11708629-C-A. GRCh37 (hg19) VCF-style: chr8-11566138-C-A.
Other names: c.317C>A, p.Pro106Gln (NM_002052.5); c.-6+7851C>A (NM_001308094.2); c.-3+615C>A (NM_001374274.1); c.-3+4325C>A (NM_001374273.1); short protein forms P106Q.
Identifiers: ClinVar variation 1716753 (VCV001716753.5), dbSNP rs1800010393, ClinGen allele CA370309375.

ClinVar aggregate classification (germline): Uncertain significance (1 of 4 stars; one submission).

Conditions:
Atrioventricular septal defect 4 (AVSD4). Identifiers: MedGen C3280781, MONDO:0013747, OMIM 614430.

Submission:

Labcorp Genetics (formerly Invitae), Labcorp
Classification: Uncertain significance for Atrioventricular septal defect 4. Last evaluated: 2022-08-19. Review status: criteria provided, single submitter. Criteria: Invitae Variant Classification Sherloc (09022015). Collection method: clinical testing. Allele origin: germline.
Comment: In summary, the available evidence is currently insufficient to determine the role of this variant in disease. Therefore, it has been classified as a Variant of Uncertain Significance. Algorithms developed to predict the effect of missense changes on protein structure and function are either unavailable or do not agree on the potential impact of this missense change (SIFT: "Tolerated"; PolyPhen-2: "Possibly Damaging"; Align-GVGD: "Class C0"). This variant has not been reported in the literature in individuals affected with GATA4-related conditions. This variant is not present in population databases (gnomAD no frequency). This sequence change replaces proline, which is neutral and non-polar, with glutamine, which is neutral and polar, at codon 106 of the GATA4 protein (p.Pro106Gln).